The following is an entry in ClinVar:

NM_001384474.1(LOXHD1):c.3855C>T (p.Asp1285=)

Gene: LOXHD1 (lipoxygenase homology PLAT domains 1; minus strand). Cytogenetic location: 18q21.1.
Variant type: single nucleotide variant.
Coding change: c.3855C>T on transcript NM_001384474.1 (MANE Select); coding-DNA position 3855, C replaced by T.
Protein change: p.Asp1285=; no amino-acid change (aspartic acid 1285 retained).
Molecular consequence: synonymous variant.
Genome position (GRCh38, 1-based): chr18:46,541,834, G>A on the plus strand (C>T on the coding strand, the complement: LOXHD1 is on the minus strand). VCF-style: chr18-46541834-G-A. GRCh37 (hg19) VCF-style: chr18-44121797-G-A.
Other names: c.522C>T, p.Asp174= (NM_001145472.3); c.234C>T, p.Asp78= (NM_001308013.2); c.3855C>T, p.Asp1285= (NM_144612.7).
Identifiers: ClinVar variation 227521 (VCV000227521.12), dbSNP rs876657496, ClinGen allele CA10577076.

ClinVar aggregate classification (germline): Likely benign. Review status: criteria provided, multiple submitters, no conflicts (2 of 4 stars). 2 submissions from 2 submitters: Likely benign (2). Last evaluated 2024-06-13.

Allele frequency attached by ClinVar (database versions not stated): gnomAD exomes 0.00002 and 0.00003; gnomAD 0.00005 and 0.00004; TOPMed 0.00003.
gnomAD v4.1: 36 of 1,551,588 alleles (0.0023%); highest among the groups gnomAD compares: African/African-American, 0.023%; no homozygotes.

Submissions (2):

Labcorp Genetics (formerly Invitae), Labcorp
Classification: Likely benign. Last evaluated: 2024-06-13. Review status: criteria provided, single submitter. Criteria: Invitae Variant Classification Sherloc (09022015). Collection method: clinical testing. Allele origin: germline.

Laboratory for Molecular Medicine, Mass General Brigham Personalized Medicine
Classification: Likely benign. Last evaluated: 2015-06-16. Review status: criteria provided, single submitter. Criteria: LMM Criteria. Collection method: clinical testing. Allele origin: germline. Observed: 1 variant allele.
Comment: p.Asp1285Asp in exon 25 of LOXHD1: This variant is not expected to have clinical significance because it does not alter an amino acid residue and is not located within the splice consensus sequence.